The following is an entry in ClinVar:

ClinVar aggregate classification (germline): Uncertain significance (1 of 4 stars; one submission).

Conditions:
Deficiency of ferroxidase (ACEP). Also called: Aceruloplasminemia; Ceruloplasmin deficiency; Familial apoceruloplasmin deficiency; Hereditary ceruloplasmin deficiency; NEURODEGENERATION WITH BRAIN IRON ACCUMULATION 10; Deficiency of ceruloplasmin. Identifiers: Orphanet 48818, MedGen C0878682, MONDO:0011426, OMIM 604290, HP:0025498.

Allele frequency attached by ClinVar (database versions not stated): gnomAD exomes below 0.00001 and 0.00001.
gnomAD v4.1: 17 of 1,600,470 alleles (0.0011%); highest among the groups gnomAD compares: Non-Finnish European, 0.0014%; no homozygotes.

Submission:

Labcorp Genetics (formerly Invitae), Labcorp
Classification: Uncertain significance for Deficiency of ferroxidase. Last evaluated: 2019-10-15. Review status: criteria provided, single submitter. Criteria: Invitae Variant Classification Sherloc (09022015). Collection method: clinical testing. Allele origin: germline.
Comment: This sequence change replaces alanine with threonine at codon 828 of the CP protein (p.Ala828Thr). The alanine residue is highly conserved and there is a small physicochemical difference between alanine and threonine. This variant is not present in population databases (ExAC no frequency). This variant has not been reported in the literature in individuals with CP-related conditions. Algorithms developed to predict the effect of missense changes on protein structure and function (SIFT, PolyPhen-2, Align-GVGD) all suggest that this variant is likely to be disruptive, but these predictions have not been confirmed by published functional studies and their clinical significance is uncertain. In summary, the available evidence is currently insufficient to determine the role of this variant in disease. Therefore, it has been classified as a Variant of Uncertain Significance.

NM_000096.4(CP):c.2482G>A (p.Ala828Thr)

Gene: CP (ceruloplasmin; minus strand). Cytogenetic location: 3q24.
Variant type: single nucleotide variant.
Coding change: c.2482G>A on transcript NM_000096.4 (MANE Select); coding-DNA position 2482, G replaced by A.
Protein change: p.Ala828Thr; replaces alanine 828 with threonine.
Molecular consequence: missense variant. On other transcripts: non-coding transcript variant (1).
Genome position (GRCh38, 1-based): chr3:149,182,077, C>T on the plus strand (G>A on the coding strand, the complement: CP is on the minus strand). VCF-style: chr3-149182077-C-T. GRCh37 (hg19) VCF-style: chr3-148899864-C-T.
Other names: short protein forms A828T.
Identifiers: ClinVar variation 969274 (VCV000969274.9), dbSNP rs1161226577, ClinGen allele CA354930909.